The following is an entry in ClinVar:

ClinVar aggregate classification (germline): Uncertain significance (1 of 4 stars; one submission).

Conditions:
Stormorken syndrome (STRMK). Also called: THROMBOCYTOPATHY, ASPLENIA, AND MIOSIS. Identifiers: Orphanet 3204, MedGen C1861451, MONDO:0008497, OMIM 185070.
Myopathy with tubular aggregates (TAM). Also called: Tubular Aggregate Myopathy. Identifiers: Orphanet 2593, MedGen C0410207, MONDO:0008051.
Combined immunodeficiency due to STIM1 deficiency. Also called: IMMUNODEFICIENCY 10; STIM1 DEFICIENCY. Identifiers: Orphanet 169090, Orphanet 317430, MedGen C2748557, MONDO:0013008, OMIM 612783.

Allele frequency attached by ClinVar (database versions not stated): ExAC 0.00001; gnomAD 0.00001; gnomAD exomes 0.00003 and 0.00001.
gnomAD v4.1: 13 of 1,614,068 alleles (0.00081%); highest among the groups gnomAD compares: Admixed American, 0.0067%; no homozygotes.

Submission:

Labcorp Genetics (formerly Invitae), Labcorp
Classification: Uncertain significance for Myopathy with tubular aggregates; Combined immunodeficiency due to STIM1 deficiency; Stormorken syndrome. Last evaluated: 2025-03-18. Review status: criteria provided, single submitter. Criteria: Invitae Variant Classification Sherloc (09022015). Collection method: clinical testing. Allele origin: germline.
Comment: This sequence change replaces arginine, which is basic and polar, with glutamine, which is neutral and polar, at codon 640 of the STIM1 protein (p.Arg640Gln). This variant is present in population databases (rs769001716, gnomAD 0.01%). This variant has not been reported in the literature in individuals affected with STIM1-related conditions. ClinVar contains an entry for this variant (Variation ID: 530875). Invitae Evidence Modeling of protein sequence and biophysical properties (such as structural, functional, and spatial information, amino acid conservation, physicochemical variation, residue mobility, and thermodynamic stability) has been performed for this missense variant. However, the output from this modeling did not meet the statistical confidence thresholds required to predict the impact of this variant on STIM1 protein function. In summary, the available evidence is currently insufficient to determine the role of this variant in disease. Therefore, it has been classified as a Variant of Uncertain Significance.

NM_001382567.1(STIM1):c.2012G>A (p.Arg671Gln)

Genes: STIM1 (stromal interaction molecule 1; plus strand), LOC124418421 (Sharpr-MPRA regulatory region 9588; plus strand). Cytogenetic location: 11p15.4.
Variant type: single nucleotide variant.
Coding change: c.2012G>A on transcript NM_001382567.1 (MANE Select); coding-DNA position 2012, G replaced by A.
Protein change: p.Arg671Gln; replaces arginine 671 with glutamine.
Molecular consequence: missense variant. On other transcripts: 3 prime UTR variant (4), non-coding transcript variant (3).
Genome position (GRCh38, 1-based): chr11:4,091,659, G>A. VCF-style: chr11-4091659-G-A. GRCh37 (hg19) VCF-style: chr11-4112889-G-A.
Other names: c.2237G>A, p.Arg746Gln (NM_001277961.3); c.*333G>A (NM_001277962.2, NM_001382578.1, NM_001382579.1 and 1 more transcripts); c.2015G>A, p.Arg672Gln (NM_001382566.1); c.1940G>A, p.Arg647Gln (NM_001382568.1); c.1784G>A, p.Arg595Gln (NM_001382569.1); c.1691G>A, p.Arg564Gln (NM_001382570.1); c.1439G>A, p.Arg480Gln (NM_001382571.1); c.1697G>A, p.Arg566Gln (NM_001382575.1, NM_001382576.1, NM_001382577.1); and 2 more; short protein forms R640Q, R746Q, R477Q, R480Q, R564Q, R566Q, R595Q, R647Q.
Identifiers: ClinVar variation 530875 (VCV000530875.8), dbSNP rs769001716, ClinGen allele CA5830650.